The following is an entry in ClinVar:

NM_001366385.1(CARD14):c.2662C>T (p.Arg888Cys)

Genes: SGSH (N-sulfoglucosamine sulfohydrolase; minus strand), CARD14 (caspase recruitment domain family member 14; plus strand), LOC126862662 (MED14-independent group 3 enhancer GRCh37_chr17:78178385-78179584; plus strand). Cytogenetic location: 17q25.3.
Variant type: single nucleotide variant.
Coding change: c.2662C>T on transcript NM_001366385.1 (MANE Select); coding-DNA position 2662, C replaced by T.
Protein change: p.Arg888Cys; replaces arginine 888 with cysteine.
Molecular consequence: missense variant. On other transcripts: non-coding transcript variant (1).
Genome position (GRCh38, 1-based): chr17:80,205,623, C>T. VCF-style: chr17-80205623-C-T. GRCh37 (hg19) VCF-style: chr17-78179422-C-T.
Other names: c.2662C>T, p.Arg888Cys (NM_024110.4); short protein forms R888C.
Identifiers: ClinVar variation 653868 (VCV000653868.9), dbSNP rs201390554, ClinGen allele CA8817406.
Genomic context (GRCh38, chr17:80,205,623, plus strand): 5'-AGCCAGAGAGGGGACATCATCCAGGAGGGAGAGGTGTCCGGGGGCCGCTGCTGGGTGACC[C>T]GCCATGCTGTGGAGTCCCTCATGGAAAAGGTGAGGTCAAGGGCGGGGTGGGCAGGGGAGC-3'
Protein context (NP_001353314.1, residues 878-898): EVSGGRCWVT[Arg888Cys]HAVESLMEKN

ClinVar aggregate classification (germline): Uncertain significance (1 of 4 stars; one submission).

Conditions:
Pityriasis rubra pilaris (PRP). Also called: Pityriasis rubra pilaris--familial type. Identifiers: Orphanet 2897, MedGen C0032027, MONDO:0100017, OMIM 173200, MONDO:0008251.
Psoriasis 2. Identifiers: MedGen C1864497, MONDO:0011269, OMIM 602723.

Allele frequency attached by ClinVar (database versions not stated): ExAC below 0.00001; gnomAD 0.00001; gnomAD exomes 0.00001; TOPMed 0.00001; 1000 Genomes Project 30x 0.00016; 1000 Genomes Project 0.00020.
gnomAD v4.1: 27 of 1,566,076 alleles (0.0017%); highest among the groups gnomAD compares: African/African-American, 0.0027%; no homozygotes.

Submission:

Labcorp Genetics (formerly Invitae), Labcorp
Classification: Uncertain significance for Pityriasis rubra pilaris; Psoriasis 2. Last evaluated: 2022-10-03. Review status: criteria provided, single submitter. Criteria: Invitae Variant Classification Sherloc (09022015). Collection method: clinical testing. Allele origin: germline.
Comment: This sequence change replaces arginine, which is basic and polar, with cysteine, which is neutral and slightly polar, at codon 888 of the CARD14 protein (p.Arg888Cys). The frequency data for this variant in the population databases is considered unreliable, as metrics indicate poor data quality at this position in the gnomAD database. This variant has not been reported in the literature in individuals affected with CARD14-related conditions. ClinVar contains an entry for this variant (Variation ID: 653868). Advanced modeling of protein sequence and biophysical properties (such as structural, functional, and spatial information, amino acid conservation, physicochemical variation, residue mobility, and thermodynamic stability) performed at Invitae indicates that this missense variant is not expected to disrupt CARD14 protein function. In summary, the available evidence is currently insufficient to determine the role of this variant in disease. Therefore, it has been classified as a Variant of Uncertain Significance.